The following is an entry in ClinVar:

ClinVar aggregate classification (germline): Uncertain significance (1 of 4 stars; one submission).

Conditions:
DICER1-related tumor predisposition. Also called: DICER1-related pleuropulmonary blastoma cancer predisposition syndrome; DICER1 syndrome. Identifiers: Orphanet 284343, MedGen C3839822, MONDO:0100216.

Submission:

Labcorp Genetics (formerly Invitae), Labcorp
Classification: Uncertain significance for DICER1-related tumor predisposition. Last evaluated: 2022-10-21. Review status: criteria provided, single submitter. Criteria: Invitae Variant Classification Sherloc (09022015). Collection method: clinical testing. Allele origin: germline.
Comment: This sequence change replaces alanine, which is neutral and non-polar, with glycine, which is neutral and non-polar, at codon 1300 of the DICER1 protein (p.Ala1300Gly). This variant is not present in population databases (gnomAD no frequency). This variant has not been reported in the literature in individuals affected with DICER1-related conditions. ClinVar contains an entry for this variant (Variation ID: 946442). Advanced modeling of protein sequence and biophysical properties (such as structural, functional, and spatial information, amino acid conservation, physicochemical variation, residue mobility, and thermodynamic stability) performed at Invitae indicates that this missense variant is not expected to disrupt DICER1 protein function. In summary, the available evidence is currently insufficient to determine the role of this variant in disease. Therefore, it has been classified as a Variant of Uncertain Significance.

NM_177438.3(DICER1):c.3899C>G (p.Ala1300Gly)

Gene: DICER1 (dicer 1, ribonuclease III; minus strand). Cytogenetic location: 14q32.13.
Variant type: single nucleotide variant.
Coding change: c.3899C>G on transcript NM_177438.3 (MANE Select); coding-DNA position 3899, C replaced by G.
Protein change: p.Ala1300Gly; replaces alanine 1300 with glycine.
Molecular consequence: missense variant.
Genome position (GRCh38, 1-based): chr14:95,103,497, G>C on the plus strand (C>G on the coding strand, the complement: DICER1 is on the minus strand). VCF-style: chr14-95103497-G-C. GRCh37 (hg19) VCF-style: chr14-95569834-G-C.
Other names: c.3899C>G, p.Ala1300Gly (NM_001195573.1, NM_001271282.3, NM_001291628.2 and 1 more transcripts); short protein forms A1300G.
Identifiers: ClinVar variation 946442 (VCV000946442.11), dbSNP rs774248214, ClinGen allele CA390873213.
Genomic context (GRCh38, chr14:95,103,497, plus strand): 5'-TCGCCAAGCATTTCAAGCCGCTCCAGGTTAAATCCATCACTAGCGTTTGACAGAGTCAAA[G>C]CCTGAAGAATAAGTCCAGGATTGGGGCCAAGAGTCCTTGAGGAGTACCCAATAGAAGGGC-3'
Protein context (NP_803187.1, residues 1290-1310): LGPNPGLILQ[Ala1300Gly]LTLSNASDGF